The following is an entry in ClinVar:

ClinVar aggregate classification (germline): Uncertain significance (1 of 4 stars; one submission).

Submission:

Labcorp Genetics (formerly Invitae), Labcorp
Classification: Uncertain significance. Last evaluated: 2023-11-21. Review status: criteria provided, single submitter. Criteria: Invitae Variant Classification Sherloc (09022015). Collection method: clinical testing. Allele origin: germline.
Comment: This sequence change replaces proline, which is neutral and non-polar, with alanine, which is neutral and non-polar, at codon 282 of the POLE protein (p.Pro282Ala). This variant is not present in population databases (gnomAD no frequency). This variant has not been reported in the literature in individuals affected with POLE-related conditions. Advanced modeling of protein sequence and biophysical properties (such as structural, functional, and spatial information, amino acid conservation, physicochemical variation, residue mobility, and thermodynamic stability) has been performed at Invitae for this missense variant, however the output from this modeling did not meet the statistical confidence thresholds required to predict the impact of this variant on POLE protein function. In summary, the available evidence is currently insufficient to determine the role of this variant in disease. Therefore, it has been classified as a Variant of Uncertain Significance.

NM_006231.4(POLE):c.844C>G (p.Pro282Ala)

Gene: POLE (DNA polymerase epsilon, catalytic subunit; minus strand). Cytogenetic location: 12q24.33.
Variant type: single nucleotide variant.
Coding change: c.844C>G on transcript NM_006231.4 (MANE Select); coding-DNA position 844, C replaced by G.
Protein change: p.Pro282Ala; replaces proline 282 with alanine.
Molecular consequence: missense variant.
Genome position (GRCh38, 1-based): chr12:132,676,611, G>C on the plus strand (C>G on the coding strand, the complement: POLE is on the minus strand). VCF-style: chr12-132676611-G-C. GRCh37 (hg19) VCF-style: chr12-133253197-G-C.
Other names: short protein forms P282A.
Identifiers: ClinVar variation 2697838 (VCV002697838.3), dbSNP rs138207610, ClinGen allele CA387364301.